The following is an entry in ClinVar:

ClinVar aggregate classification (germline): Uncertain significance (1 of 4 stars; one submission).

Conditions:
Brachyolmia-amelogenesis imperfecta syndrome. Also called: PLATYSPONDYLY WITH AMELOGENESIS IMPERFECTA; Tooth agenesis, selective, 6; Dental anomalies and short stature. Identifiers: Orphanet 2899, MedGen C1832594, MONDO:0011018, OMIM 601216. Disease mechanism: loss of function.

gnomAD v4.1: 1 of 1,614,084 alleles (0.000062%); highest among the groups gnomAD compares: Non-Finnish European, 0.000085%; no homozygotes.

Submission:

Labcorp Genetics (formerly Invitae), Labcorp
Classification: Uncertain significance for Brachyolmia-amelogenesis imperfecta syndrome. Last evaluated: 2021-07-21. Review status: criteria provided, single submitter. Criteria: Invitae Variant Classification Sherloc (09022015). Collection method: clinical testing. Allele origin: germline.
Comment: This variant is not present in population databases (ExAC no frequency). This sequence change replaces glycine with aspartic acid at codon 839 of the LTBP3 protein (p.Gly839Asp). The glycine residue is highly conserved and there is a moderate physicochemical difference between glycine and aspartic acid. This variant has not been reported in the literature in individuals affected with LTBP3-related conditions. In summary, the available evidence is currently insufficient to determine the role of this variant in disease. Therefore, it has been classified as a Variant of Uncertain Significance. Algorithms developed to predict the effect of missense changes on protein structure and function are either unavailable or do not agree on the potential impact of this missense change (SIFT: "Deleterious"; PolyPhen-2: "Probably Damaging"; Align-GVGD: "Class C0").

NM_001130144.3(LTBP3):c.2516G>A (p.Gly839Asp)

Gene: LTBP3 (latent transforming growth factor beta binding protein 3; minus strand). Cytogenetic location: 11q13.1.
Variant type: single nucleotide variant.
Coding change: c.2516G>A on transcript NM_001130144.3 (MANE Select); coding-DNA position 2516, G replaced by A.
Protein change: p.Gly839Asp; replaces glycine 839 with aspartic acid.
Molecular consequence: missense variant.
Genome position (GRCh38, 1-based): chr11:65,543,185, C>T on the plus strand (G>A on the coding strand, the complement: LTBP3 is on the minus strand). VCF-style: chr11-65543185-C-T. GRCh37 (hg19) VCF-style: chr11-65310656-C-T.
Other names: c.2165G>A, p.Gly722Asp (NM_001164266.1); c.2516G>A, p.Gly839Asp (NM_021070.4); short protein forms G722D, G839D.
Identifiers: ClinVar variation 1415328 (VCV001415328.8), dbSNP rs1856229058, ClinGen allele CA381269088.